The following is an entry in ClinVar:

ClinVar aggregate classification (germline): Uncertain significance. Review status: criteria provided, multiple submitters, no conflicts (2 of 4 stars). 5 submissions from 5 submitters: Uncertain significance (5). Last evaluated 2025-11-23.

Conditions:
Cardiomyopathy (CMYO). Also called: Cardiomyopathies. Identifiers: Orphanet 167848, MedGen C0878544, MONDO:0004994, HP:0001638. Inheritance: Various modes of inheritance.
Cardiovascular phenotype. Identifiers: MedGen CN230736.
Hypertrophic cardiomyopathy. Also called: HYPERTROPHIC MYOCARDIOPATHY. Identifiers: Orphanet 217569, MedGen C0007194, MeSH D002312, MONDO:0005045, HP:0001639.

Allele frequency attached by ClinVar (database versions not stated): gnomAD exomes 0.00001.

Submissions (5):

Labcorp Genetics (formerly Invitae), Labcorp
Classification: Uncertain significance for Hypertrophic cardiomyopathy. Last evaluated: 2025-11-23. Review status: criteria provided, single submitter. Criteria: Invitae Variant Classification Sherloc (09022015). Collection method: clinical testing. Allele origin: germline.
Comment: This sequence change replaces methionine, which is neutral and non-polar, with valine, which is neutral and non-polar, at codon 193 of the MYL3 protein (p.Met193Val). This variant is not present in population databases (gnomAD no frequency). This variant has not been reported in the literature in individuals affected with MYL3-related conditions. ClinVar contains an entry for this variant (Variation ID: 925117). An algorithm developed to predict the effect of missense changes on protein structure and function (PolyPhen-2) suggests that this variant is likely to be tolerated. In summary, the available evidence is currently insufficient to determine the role of this variant in disease. Therefore, it has been classified as a Variant of Uncertain Significance.

Ambry Genetics
Classification: Uncertain significance for Cardiovascular phenotype. Last evaluated: 2024-09-11. Review status: criteria provided, single submitter. Criteria: Ambry Variant Classification Scheme 2023. Collection method: clinical testing. Allele origin: germline.
Comment: The p.M193V variant (also known as c.577A>G), located in coding exon 6 of the MYL3 gene, results from an A to G substitution at nucleotide position 577. The methionine at codon 193 is replaced by valine, an amino acid with highly similar properties. This amino acid position is conserved. In addition, the in silico prediction for this alteration is inconclusive. Based on the available evidence, the clinical significance of this variant remains unclear.

Color Diagnostics, LLC DBA Color Health
Classification: Uncertain significance for Cardiomyopathy. Last evaluated: 2024-03-06. Review status: criteria provided, single submitter. Criteria: ACMG Guidelines, 2015. Collection method: clinical testing. Allele origin: germline.
Comment: This missense variant replaces methionine with valine at codon 193 of the MYL3 protein. Computational prediction is inconclusive regarding the impact of this variant on protein structure and function (internally defined REVEL score threshold 0.5 < inconclusive < 0.7, PMID: 27666373). To our knowledge, functional studies have not been reported for this variant. This variant has not been reported in individuals affected with MYL3-related disorders in the literature. This variant has not been identified in the general population by the Genome Aggregation Database (gnomAD). The available evidence is insufficient to determine the role of this variant in disease conclusively. Therefore, this variant is classified as a Variant of Uncertain Significance.

All of Us Research Program, National Institutes of Health
Classification: Uncertain significance for Hypertrophic cardiomyopathy. Last evaluated: 2023-12-13. Review status: criteria provided, single submitter. Criteria: ACMG Guidelines, 2015. Collection method: clinical testing. Allele origin: germline. Inheritance: Autosomal dominant inheritance. Observed: 5 variant alleles, 5 heterozygotes.
Comment: Variant of Uncertain Significance due to insufficient evidence: This missense variant replaces methionine with valine at codon 193 of the MYL3 protein. Computational prediction tools and conservation analyses are inconclusive regarding the impact of this variant on the protein function. Computational splicing tools suggest that this variant may not impact RNA splicing. To our knowledge, functional assays have not been performed for this variant nor has this variant been reported in individuals affected with cardiovascular disorders in the literature. This variant is rare in the general population and has been identified in 0/277264 chromosomes by the Genome Aggregation Database (gnomAD). Available evidence is insufficient to determine the role of this variant in disease conclusively.

This study involves interpretation of variants in research participants for the purpose of population health screening. Participant phenotype was not available at the time of variant classification. Additional details can be found in publication PMID: 35346344, PMCID: PMC8962531

GeneDx
Classification: Uncertain significance. Last evaluated: 2023-03-28. Review status: criteria provided, single submitter. Criteria: GeneDx Variant Classification Process June 2021. Collection method: clinical testing. Allele origin: germline. Affected: yes.
Comment: Has not been previously published as pathogenic or benign to our knowledge; Not observed at significant frequency in large population cohorts (gnomAD); In silico analysis supports that this missense variant does not alter protein structure/function

NM_000258.3(MYL3):c.577A>G (p.Met193Val)

Gene: MYL3 (myosin light chain 3; minus strand). Cytogenetic location: 3p21.31.
Variant type: single nucleotide variant.
Coding change: c.577A>G on transcript NM_000258.3 (MANE Select); coding-DNA position 577, A replaced by G.
Protein change: p.Met193Val; replaces methionine 193 with valine.
Molecular consequence: missense variant.
Genome position (GRCh38, 1-based): chr3:46,858,255, T>C on the plus strand (A>G on the coding strand, the complement: MYL3 is on the minus strand). VCF-style: chr3-46858255-T-C. GRCh37 (hg19) VCF-style: chr3-46899745-T-C.
Other names: short protein forms M193V.
Identifiers: ClinVar variation 925117 (VCV000925117.10), dbSNP rs1701951996, ClinGen allele CA352495081.